The following is an entry in ClinVar:

ClinVar aggregate classification (germline): Uncertain significance (1 of 4 stars; one submission).

gnomAD v4.1: 1 of 1,613,850 alleles (0.000062%); highest among the groups gnomAD compares: Non-Finnish European, 0.000085%; no homozygotes.

Submission:

Ambry Genetics
Classification: Uncertain significance. Last evaluated: 2025-03-02. Review status: criteria provided, single submitter. Criteria: Ambry Variant Classification Scheme 2023. Collection method: clinical testing. Allele origin: germline.
Comment: The p.T207I variant (also known as c.620C>T), located in coding exon 5 of the RINT1 gene, results from a C to T substitution at nucleotide position 620. The threonine at codon 207 is replaced by isoleucine, an amino acid with similar properties. This amino acid position is conserved. In addition, this alteration is predicted to be tolerated by in silico analysis. Based on the available evidence, the clinical significance of this variant remains unclear.

NM_021930.6(RINT1):c.620C>T (p.Thr207Ile)

Gene: RINT1 (RAD50 interactor 1; plus strand). Cytogenetic location: 7q22.3.
Variant type: single nucleotide variant.
Coding change: c.620C>T on transcript NM_021930.6 (MANE Select); coding-DNA position 620, C replaced by T.
Protein change: p.Thr207Ile; replaces threonine 207 with isoleucine.
Molecular consequence: missense variant. On other transcripts: 5 prime UTR variant (2), non-coding transcript variant (1), intron variant (1).
Genome position (GRCh38, 1-based): chr7:105,547,014, C>T. VCF-style: chr7-105547014-C-T. GRCh37 (hg19) VCF-style: chr7-105187461-C-T.
Other names: c.386C>T, p.Thr129Ile (NM_001346599.2); c.-400C>T (NM_001346600.2); c.-303C>T (NM_001346601.2); c.-27-3041C>T (NM_001346603.2); short protein forms T129I, T207I.
Identifiers: ClinVar variation 3789240 (VCV003789240.1).
Genomic context (GRCh38, chr7:105,547,014, plus strand): 5'-CAGCCTCCACTCTAGTGTCTATGGCAGAACTTGACATTAAACTTCAGGAATCATCTTGTA[C>T]TCATCTTCTTGGTTTCATGAGAGCCACAGTTAAATTCTGGCATAAAATTCTCAAGGACAA-3'
Protein context (NP_068749.3, residues 197-217): LDIKLQESSC[Thr207Ile]HLLGFMRATV